The following is an entry in ClinVar:

ClinVar aggregate classification (germline): Uncertain significance. Review status: criteria provided, multiple submitters, no conflicts (2 of 4 stars). 4 submissions from 4 submitters: Uncertain significance (4). Last evaluated 2025-05-28.

Conditions:
Familial cancer of breast. Also called: BREAST CANCER, FAMILIAL; Hereditary breast cancer; hereditary breast carcinoma. Identifiers: Orphanet 227535, MedGen C0346153, MONDO:0016419, OMIM 114480. Disease mechanism: loss of function.
Hereditary cancer-predisposing syndrome. Also called: Hereditary neoplastic syndrome; Neoplastic Syndromes, Hereditary; Hereditary Cancer Syndrome; Tumor predisposition. Identifiers: Orphanet 140162, MedGen C0027672, MeSH D009386, MONDO:0015356.

Allele frequency attached by ClinVar (database versions not stated): gnomAD 0.00001.

Submissions (4):

Labcorp Genetics (formerly Invitae), Labcorp
Classification: Uncertain significance for Familial cancer of breast. Last evaluated: 2025-05-28. Review status: criteria provided, single submitter. Criteria: Invitae Variant Classification Sherloc (09022015). Collection method: clinical testing. Allele origin: germline.
Comment: This sequence change falls in intron 7 of the CHEK2 gene. It does not directly change the encoded amino acid sequence of the CHEK2 protein. It affects a nucleotide within the consensus splice site. This variant is not present in population databases (gnomAD no frequency). This variant has not been reported in the literature in individuals affected with CHEK2-related conditions. ClinVar contains an entry for this variant (Variation ID: 530151). Variants that disrupt the consensus splice site are a relatively common cause of aberrant splicing (PMID: 17576681, 9536098). Algorithms developed to predict the effect of sequence changes on RNA splicing suggest that this variant may disrupt the consensus splice site. In summary, the available evidence is currently insufficient to determine the role of this variant in disease. Therefore, it has been classified as a Variant of Uncertain Significance.

GeneDx
Classification: Uncertain significance. Last evaluated: 2025-03-24. Review status: criteria provided, single submitter. Criteria: GeneDx Variant Classification Process June 2021. Collection method: clinical testing. Allele origin: germline. Affected: yes.
Comment: Splice site variant with an unclear effect on protein function; Not observed at significant frequency in large population cohorts (gnomAD); Has not been previously published as pathogenic or benign to our knowledge

Baylor Genetics
Classification: Uncertain significance for Familial cancer of breast. Last evaluated: 2023-09-21. Review status: criteria provided, single submitter. Criteria: ACMG Guidelines, 2015. Collection method: clinical testing. Allele origin: unknown.

Ambry Genetics
Classification: Uncertain significance for Hereditary cancer-predisposing syndrome. Last evaluated: 2020-09-01. Review status: criteria provided, single submitter. Criteria: Ambry Variant Classification Scheme 2023. Collection method: clinical testing. Allele origin: germline.
Comment: The c.846+2dupT intronic variant, results from a duplication of two nucleotides at nucleotide position 846 after intron 6 of the CHEK2 gene. This nucleotide position is highly conserved in available vertebrate species. In silico splice site analysis predicts that this alteration will weaken the native splice donor site. Since supporting evidence is limited at this time, the clinical significance of this alteration remains unclear.

Literature cited by the submitters: PubMed 17576681 (cited by Labcorp Genetics (formerly Invitae), Labcorp); PubMed 9536098 (cited by Labcorp Genetics (formerly Invitae), Labcorp).

NM_007194.4(CHEK2):c.846+2dup

Gene: CHEK2 (checkpoint kinase 2; minus strand). Cytogenetic location: 22q12.1.
Variant type: Duplication.
Coding change: c.846+2dup on transcript NM_007194.4 (MANE Select); the canonical splice donor site of the intron after coding-DNA position 846, one base duplicated (T; older notation c.846+2dupT).
Molecular consequence: splice donor variant.
Genome position (GRCh38, 1-based): chr22:28,710,004, A duplicated on the plus strand (T on the coding strand, the reverse complement: CHEK2 is on the minus strand). VCF-style (leftmost placement, unchanged base first): chr22-28710003-T-TA. GRCh37 (hg19) VCF-style: chr22-29105991-T-TA.
Other names: c.846+2dupT (NM_007194.3); c.183+2dup (NM_001437942.1, NM_001257387.3); c.645+2dup (NM_001349956.3); c.846+2dup (NM_145862.3); c.939+2dup (NM_001438295.1, NM_001438293.1); c.975+2dup (NM_001438294.1, NM_001005735.3).
Identifiers: ClinVar variation 530151 (VCV000530151.12), dbSNP rs1555920102, ClinGen allele CA658799521.